The following is an entry in ClinVar:

ClinVar aggregate classification (germline): Uncertain significance (1 of 4 stars; one submission).

gnomAD v4.1: 2 of 1,614,252 alleles (0.00012%); highest among the groups gnomAD compares: Admixed American, 0.0033%; no homozygotes.

Submission:

GeneDx
Classification: Uncertain significance. Last evaluated: 2023-06-06. Review status: criteria provided, single submitter. Criteria: GeneDx Variant Classification Process June 2021. Collection method: clinical testing. Allele origin: germline. Affected: yes.
Comment: Not observed at significant frequency in large population cohorts (gnomAD); In silico analysis supports a deleterious effect on splicing; Has not been previously published as pathogenic or benign to our knowledge; Reported using an alternate transcript of the gene

NM_153676.4(USH1C):c.1273A>G (p.Lys425Glu)

Gene: USH1C (USH1 protein network component harmonin; minus strand). Cytogenetic location: 11p15.1.
Variant type: single nucleotide variant.
Coding change: c.1273A>G on transcript NM_153676.4 (MANE Select); coding-DNA position 1273, A replaced by G.
Protein change: p.Lys425Glu; replaces lysine 425 with glutamic acid.
Molecular consequence: missense variant. On other transcripts: intron variant (2).
Genome position (GRCh38, 1-based): chr11:17,512,042, T>C on the plus strand (A>G on the coding strand, the complement: USH1C is on the minus strand). VCF-style: chr11-17512042-T-C. GRCh37 (hg19) VCF-style: chr11-17533589-T-C.
Other names: c.1227+5359A>G (NM_001297764.2); c.1284+5359A>G (NM_005709.4); short protein forms K425E.
Identifiers: ClinVar variation 3359471 (VCV003359471.1).